The following is an entry in ClinVar:

NM_001191061.2(SLC25A22):c.869G>A (p.Cys290Tyr)

Gene: SLC25A22 (solute carrier family 25 member 22; minus strand). Cytogenetic location: 11p15.5.
Variant type: single nucleotide variant.
Coding change: c.869G>A on transcript NM_001191061.2 (MANE Select); coding-DNA position 869, G replaced by A.
Protein change: p.Cys290Tyr; replaces cysteine 290 with tyrosine.
Molecular consequence: missense variant.
Genome position (GRCh38, 1-based): chr11:792,018, C>T on the plus strand (G>A on the coding strand, the complement: SLC25A22 is on the minus strand). VCF-style: chr11-792018-C-T. GRCh37 (hg19) VCF-style: chr11-792018-C-T.
Other names: c.869G>A, p.Cys290Tyr (NM_001191060.2, NM_024698.6); short protein forms C290Y.
Identifiers: ClinVar variation 1381841 (VCV001381841.7), dbSNP rs2133697677, ClinGen allele CA378966916.

ClinVar aggregate classification (germline): Uncertain significance (1 of 4 stars; one submission).

Conditions:
Early-infantile DEE. Also called: Early infantile epileptic encephalopathy with suppression bursts; Early infantile epileptic encephalopathy; Ohtahara syndrome. Identifiers: Orphanet 1934, MedGen C0393706, MONDO:0800491.

Allele frequency attached by ClinVar (database versions not stated): gnomAD exomes below 0.00001.
gnomAD v4.1: 1 of 1,605,610 alleles (0.000062%); highest among the groups gnomAD compares: Non-Finnish European, 0.000085%; no homozygotes.

Submission:

Labcorp Genetics (formerly Invitae), Labcorp
Classification: Uncertain significance for Early-infantile DEE. Last evaluated: 2021-09-17. Review status: criteria provided, single submitter. Criteria: Invitae Variant Classification Sherloc (09022015). Collection method: clinical testing. Allele origin: germline.
Comment: In summary, the available evidence is currently insufficient to determine the role of this variant in disease. Therefore, it has been classified as a Variant of Uncertain Significance. This sequence change replaces cysteine with tyrosine at codon 290 of the SLC25A22 protein (p.Cys290Tyr). The cysteine residue is highly conserved and there is a large physicochemical difference between cysteine and tyrosine. This variant is not present in population databases (ExAC no frequency). This variant has not been reported in the literature in individuals affected with SLC25A22-related conditions. Algorithms developed to predict the effect of missense changes on protein structure and function are either unavailable or do not agree on the potential impact of this missense change (SIFT: "Deleterious"; PolyPhen-2: "Probably Damaging"; Align-GVGD: "Class C0").